The following is an entry in ClinVar:

NM_153603.4(COG7):c.1438C>T (p.Arg480Trp)

Gene: COG7 (component of oligomeric golgi complex 7; minus strand). Cytogenetic location: 16p12.2.
Variant type: single nucleotide variant.
Coding change: c.1438C>T on transcript NM_153603.4 (MANE Select); coding-DNA position 1438, C replaced by T.
Protein change: p.Arg480Trp; replaces arginine 480 with tryptophan.
Molecular consequence: missense variant.
Genome position (GRCh38, 1-based): chr16:23,410,332, G>A on the plus strand (C>T on the coding strand, the complement: COG7 is on the minus strand). VCF-style: chr16-23410332-G-A. GRCh37 (hg19) VCF-style: chr16-23421653-G-A.
Other names: c.1438C>T (NM_153603.3); short protein forms R480W.
Identifiers: ClinVar variation 1989939 (VCV001989939.2), dbSNP rs768397627, ClinGen allele CA7960976.

ClinVar aggregate classification (germline): Uncertain significance. Review status: criteria provided, multiple submitters, no conflicts (2 of 4 stars). 2 submissions from 2 submitters: Uncertain significance (2). Last evaluated 2024-10-25.

Conditions:
Inborn genetic diseases. Identifiers: MedGen C0950123, MeSH D030342.
COG7 congenital disorder of glycosylation (CDG2E). Also called: CONGENITAL DISORDER OF GLYCOSYLATION, TYPE IIe; CDG IIe. Identifiers: Orphanet 79333, MedGen C2931010, MONDO:0012118, OMIM 608779.

Allele frequency attached by ClinVar (database versions not stated): ExAC 0.00001; gnomAD exomes 0.00001; TOPMed 0.00002.

Submissions (2):

Ambry Genetics
Classification: Uncertain significance for Inborn genetic diseases. Last evaluated: 2024-10-25. Review status: criteria provided, single submitter. Criteria: Ambry Variant Classification Scheme 2023. Collection method: clinical testing. Allele origin: germline.

Labcorp Genetics (formerly Invitae), Labcorp
Classification: Uncertain significance for COG7 congenital disorder of glycosylation. Last evaluated: 2022-10-03. Review status: criteria provided, single submitter. Criteria: Invitae Variant Classification Sherloc (09022015). Collection method: clinical testing. Allele origin: germline.
Comment: This sequence change replaces arginine, which is basic and polar, with tryptophan, which is neutral and slightly polar, at codon 480 of the COG7 protein (p.Arg480Trp). The frequency data for this variant in the population databases is considered unreliable, as metrics indicate poor data quality at this position in the gnomAD database. This variant has not been reported in the literature in individuals affected with COG7-related conditions. Advanced modeling of protein sequence and biophysical properties (such as structural, functional, and spatial information, amino acid conservation, physicochemical variation, residue mobility, and thermodynamic stability) performed at Invitae indicates that this missense variant is expected to disrupt COG7 protein function. Algorithms developed to predict the effect of sequence changes on RNA splicing suggest that this variant may disrupt the consensus splice site. In summary, the available evidence is currently insufficient to determine the role of this variant in disease. Therefore, it has been classified as a Variant of Uncertain Significance.